The following is an entry in ClinVar:

ClinVar aggregate classification (germline): Uncertain significance (1 of 4 stars; one submission).

Conditions:
Loeys-Dietz syndrome 6. Identifiers: MedGen C5562041, MONDO:0030500, OMIM 619656.

Submission:

Illumina Laboratory Services, Illumina
Classification: Uncertain significance for Loeys-Dietz syndrome 6. Last evaluated: 2022-03-03. Review status: criteria provided, single submitter. Criteria: ICSLVariantClassificationCriteria RUGD 01 April 2020. Collection method: clinical testing. Allele origin: unknown.
Comment: The SMAD2 c.998G>A (p.Gly333Glu) missense variant results in the substitution of glycine at amino acid position 333 with glutamic acid. To our knowledge, this variant has not been reported in the peer-reviewed literature. This variant is located in the MH2 domain of the SMAD2 protein in which many other pathogenic missense variants have been reported (Micha et al. 2015; Schepers et al. 2018). This domain is important for TGF-beta mediated activation of SMAD2 (Buwaneka et al. 2021). Multiple lines of computational evidence suggest this variant may have a deleterious effect on the gene or gene product. This variant is not found in version 2.1.1 or version 3.1.2 of the Genome Aggregation Database. Based on the available evidence, the c.998G>A (p.Gly333Glu) variant is classified as a variant of uncertain significance for Loeys-Dietz syndrome.

Literature cited by the submitters: PubMed 26247899; PubMed 29392890; PubMed 34655614.

NM_005901.6(SMAD2):c.998G>A (p.Gly333Glu)

Gene: SMAD2 (SMAD family member 2; minus strand). Cytogenetic location: 18q21.1.
Variant type: single nucleotide variant.
Coding change: c.998G>A on transcript NM_005901.6 (MANE Select); coding-DNA position 998, G replaced by A.
Protein change: p.Gly333Glu; replaces glycine 333 with glutamic acid.
Molecular consequence: missense variant.
Genome position (GRCh38, 1-based): chr18:47,845,800, C>T on the plus strand (G>A on the coding strand, the complement: SMAD2 is on the minus strand). VCF-style: chr18-47845800-C-T. GRCh37 (hg19) VCF-style: chr18-45372171-C-T.
Other names: c.998G>A, p.Gly333Glu (NM_001003652.4); c.908G>A, p.Gly303Glu (NM_001135937.3); short protein forms G303E, G333E.
Identifiers: ClinVar variation 1803705 (VCV001803705.3), dbSNP rs2144291130, ClinGen allele CA402504215.